The following is an entry in ClinVar:

NM_001927.4(DES):c.233G>T (p.Arg78Leu)

Gene: DES (desmin; plus strand). Cytogenetic location: 2q35.
Variant type: single nucleotide variant.
Coding change: c.233G>T on transcript NM_001927.4 (MANE Select); coding-DNA position 233, G replaced by T.
Protein change: p.Arg78Leu; replaces arginine 78 with leucine.
Molecular consequence: missense variant.
Genome position (GRCh38, 1-based): chr2:219,418,695, G>T. VCF-style: chr2-219418695-G-T. GRCh37 (hg19) VCF-style: chr2-220283417-G-T.
Other names: c.233G>T (LRG_380t1); short protein forms R78L.
Identifiers: ClinVar variation 201717 (VCV000201717.10), dbSNP rs573916832, ClinGen allele CA308301.
Genomic context (GRCh38, chr2:219,418,695, plus strand): 5'-GCACGTCGGGCGGGGCCGGGGGCCTGGGGTCGCTGCGGGCCAGCCGGCTGGGGACCACCC[G>T]CACGCCCTCCTCCTACGGCGCAGGCGAGCTGCTGGACTTCTCACTGGCCGACGCGGTGAA-3'
Protein context (NP_001918.3, residues 68-88): SLRASRLGTT[Arg78Leu]TPSSYGAGEL

ClinVar aggregate classification (germline): Uncertain significance. Review status: criteria provided, multiple submitters, no conflicts (2 of 4 stars). 4 submissions from 4 submitters: Uncertain significance (4). Last evaluated 2025-11-13.

Conditions:
Cardiovascular phenotype. Identifiers: MedGen CN230736.
Desmin-related myofibrillar myopathy (MFM1). Also called: Desmin related myopathy (former name); Desmin storage myopathy (former name); Myofibrillar myopathy 1; MYOFIBRILLAR MYOPATHY WITH ARRHYTHMOGENIC RIGHT VENTRICULAR CARDIOMYOPATHY; DESMIN-RELATED MYOPATHY WITH ARRHYTHMOGENIC RIGHT VENTRICULAR CARDIOMYOPATHY; Desminopathy. Identifiers: Orphanet 363543, Orphanet 98909, MedGen C1832370, MONDO:0011076, OMIM 601419.
Neurogenic scapuloperoneal syndrome, Kaeser type (SCPNK). Also called: KAESER SYNDROME. Identifiers: Orphanet 85146, MedGen C1867005, MONDO:0008407, OMIM 181400.
Dilated cardiomyopathy 1I (CMD1I). Identifiers: Orphanet 154, MedGen C1858154, MONDO:0011482, OMIM 604765.

Allele frequency attached by ClinVar (database versions not stated): ExAC below 0.00001; TOPMed below 0.00001; gnomAD 0.00001 and 0.00003; gnomAD exomes 0.00002; 1000 Genomes Project 30x 0.00016; 1000 Genomes Project 0.00020.
gnomAD v4.1: 5 of 1,570,190 alleles (0.00032%); highest among the groups gnomAD compares: East Asian, 0.012%; no homozygotes.

Submissions (4):

Labcorp Genetics (formerly Invitae), Labcorp
Classification: Uncertain significance for Desmin-related myofibrillar myopathy. Last evaluated: 2025-11-13. Review status: criteria provided, single submitter. Criteria: Invitae Variant Classification Sherloc (09022015). Collection method: clinical testing. Allele origin: germline.
Comment: This sequence change replaces arginine, which is basic and polar, with leucine, which is neutral and non-polar, at codon 78 of the DES protein (p.Arg78Leu). The frequency data for this variant in the population databases is considered unreliable, as metrics indicate poor data quality at this position in the gnomAD database. This variant has not been reported in the literature in individuals affected with DES-related conditions. ClinVar contains an entry for this variant (Variation ID: 201717). Invitae Evidence Modeling of protein sequence and biophysical properties (such as structural, functional, and spatial information, amino acid conservation, physicochemical variation, residue mobility, and thermodynamic stability) has been performed for this missense variant. However, the output from this modeling did not meet the statistical confidence thresholds required to predict the impact of this variant on DES protein function. Algorithms developed to predict the effect of sequence changes on RNA splicing suggest that this variant may create or strengthen a splice site. In summary, the available evidence is currently insufficient to determine the role of this variant in disease. Therefore, it has been classified as a Variant of Uncertain Significance.

Blueprint Genetics
Classification: Uncertain significance. Last evaluated: 2024-05-14. Review status: criteria provided, single submitter. Criteria: ACMG Guidelines, 2015. Collection method: clinical testing. Allele origin: germline.

Ambry Genetics
Classification: Uncertain significance for Cardiovascular phenotype. Last evaluated: 2023-12-18. Review status: criteria provided, single submitter. Criteria: Ambry Variant Classification Scheme 2023. Collection method: clinical testing. Allele origin: germline.
Comment: The p.R78L variant (also known as c.233G>T), located in coding exon 1 of the DES gene, results from a G to T substitution at nucleotide position 233. The arginine at codon 78 is replaced by leucine, an amino acid with dissimilar properties. This variant has been detected in individuals from dilated cardiomyopathy cohorts; however, details were limited (Mazzarotto F et al. Circulation, 2020 Feb;141:387-398; Shen C et al. Ann Transl Med, 2022 Feb;10:129). This amino acid position is well conserved in available vertebrate species. In addition, the in silico prediction for this alteration is inconclusive. Since supporting evidence is limited at this time, the clinical significance of this alteration remains unclear.

Fulgent Genetics
Classification: Uncertain significance for Neurogenic scapuloperoneal syndrome, Kaeser type; Desmin-related myofibrillar myopathy; Dilated cardiomyopathy 1I. Last evaluated: 2021-11-23. Review status: criteria provided, single submitter. Criteria: ACMG Guidelines, 2015. Collection method: clinical testing. Allele origin: unknown.

Literature cited by the submitters: PubMed 31983221 (cited by Ambry Genetics); PubMed 35284542 (cited by Ambry Genetics).